The following is an entry in ClinVar:

ClinVar aggregate classification (germline): Uncertain significance (1 of 4 stars; one submission).

Allele frequency attached by ClinVar (database versions not stated): gnomAD exomes below 0.00001.
gnomAD v4.1: 1 of 1,614,140 alleles (0.000062%); highest among the groups gnomAD compares: Non-Finnish European, 0.000085%; no homozygotes.

Submission:

Labcorp Genetics (formerly Invitae), Labcorp
Classification: Uncertain significance. Last evaluated: 2023-05-10. Review status: criteria provided, single submitter. Criteria: Invitae Variant Classification Sherloc (09022015). Collection method: clinical testing. Allele origin: germline.
Comment: This sequence change replaces glycine, which is neutral and non-polar, with serine, which is neutral and polar, at codon 222 of the LZTR1 protein (p.Gly222Ser). In summary, the available evidence is currently insufficient to determine the role of this variant in disease. Therefore, it has been classified as a Variant of Uncertain Significance. Advanced modeling of protein sequence and biophysical properties (such as structural, functional, and spatial information, amino acid conservation, physicochemical variation, residue mobility, and thermodynamic stability) performed at Invitae indicates that this missense variant is not expected to disrupt LZTR1 protein function. This variant has not been reported in the literature in individuals affected with LZTR1-related conditions. This variant is not present in population databases (gnomAD no frequency).

NM_006767.4(LZTR1):c.664G>A (p.Gly222Ser)

Gene: LZTR1 (leucine zipper like post translational regulator 1; plus strand). Cytogenetic location: 22q11.21.
Variant type: single nucleotide variant.
Coding change: c.664G>A on transcript NM_006767.4 (MANE Select); coding-DNA position 664, G replaced by A.
Protein change: p.Gly222Ser; replaces glycine 222 with serine.
Molecular consequence: missense variant.
Genome position (GRCh38, 1-based): chr22:20,990,398, G>A. VCF-style: chr22-20990398-G-A. GRCh37 (hg19) VCF-style: chr22-21344687-G-A.
Other names: short protein forms G222S.
Identifiers: ClinVar variation 2905271 (VCV002905271.3), dbSNP rs2518615659, ClinGen allele CA410780432.
Genomic context (GRCh38, chr22:20,990,398, plus strand): 5'-TGAGCGGGCCCTGTGAGGCCGGGGCTGAGCTGTCCTCTCCCCCTGCAGGTGGCCCAGAGT[G>A]GCGAGATCCCCCCATCTTGCTGCAACTTCCCCGTGGCTGTGTGCCGGGACAAGATGTTTG-3'
Protein context (NP_006758.2, residues 212-232): LTCWEEVAQS[Gly222Ser]EIPPSCCNFP